The following is an entry in ClinVar:

NM_000093.5(COL5A1):c.3223G>A (p.Gly1075Ser)

Gene: COL5A1 (collagen type V alpha 1 chain; plus strand). Cytogenetic location: 9q34.3.
Variant type: single nucleotide variant.
Coding change: c.3223G>A on transcript NM_000093.5 (MANE Select); coding-DNA position 3223, G replaced by A.
Protein change: p.Gly1075Ser; replaces glycine 1075 with serine.
Molecular consequence: missense variant.
Genome position (GRCh38, 1-based): chr9:134,805,179, G>A. VCF-style: chr9-134805179-G-A. GRCh37 (hg19) VCF-style: chr9-137697025-G-A.
Other names: c.3223G>A, p.Gly1075Ser (NM_001278074.1); short protein forms G1075S.
Identifiers: ClinVar variation 3373150 (VCV003373150.1).
Genomic context (GRCh38, chr9:134,805,179, plus strand): 5'-TCTCCCCACGTGCCCTTGACCAACCTTTTCATGGCTTTGCAGGGAGCTCTTGGACTGAAA[G>A]GCAATGAAGGGCCCCCTGGCCCACCAGGCCCTGCGGTGAGTCAAAGCCTTTGTCCCATCC-3'
Protein context (NP_000084.3, residues 1065-1085): PGPVGALGLK[Gly1075Ser]NEGPPGPPGP

ClinVar aggregate classification (germline): Uncertain significance (1 of 4 stars; one submission).

Submission:

GeneDx
Classification: Uncertain significance. Last evaluated: 2024-04-26. Review status: criteria provided, single submitter. Criteria: GeneDx Variant Classification Process June 2021. Collection method: clinical testing. Allele origin: germline. Affected: yes.
Comment: Not observed at significant frequency in large population cohorts (gnomAD); In silico analysis supports that this missense variant has a deleterious effect on protein structure/function; Has not been previously published as pathogenic or benign to our knowledge; This variant is associated with the following publications: (PMID: 22696272)